The following is an entry in ClinVar:

ClinVar aggregate classification (germline): Pathogenic (1 of 4 stars; one submission).

Submission:

Labcorp Genetics (formerly Invitae), Labcorp
Classification: Pathogenic. Last evaluated: 2025-08-15. Review status: criteria provided, single submitter. Criteria: Invitae Variant Classification Sherloc (09022015). Collection method: clinical testing. Allele origin: germline.
Comment: This sequence change creates a premature translational stop signal (p.Pro235*) in the CDAN1 gene. It is expected to result in an absent or disrupted protein product. Loss-of-function variants in CDAN1 are known to be pathogenic (PMID: 16098079, 16141353). This variant is not present in population databases (gnomAD no frequency). This variant has not been reported in the literature in individuals affected with CDAN1-related conditions. ClinVar contains an entry for this variant (Variation ID: 2017339). For these reasons, this variant has been classified as Pathogenic.

Literature cited by the submitters: PubMed 16098079; PubMed 16141353.

NM_138477.4(CDAN1):c.699_702dup (p.Pro235Ter)

Gene: CDAN1 (codanin 1; minus strand). Cytogenetic location: 15q15.2.
Variant type: Duplication.
Coding change: c.699_702dup on transcript NM_138477.4 (MANE Select); coding-DNA positions 699 to 702, 4 bases duplicated (TAGC; older notation c.699_702dupTAGC).
Protein change: p.Pro235Ter; replaces proline 235 with a stop codon.
Molecular consequence: nonsense.
Genome position (GRCh38, 1-based): chr15:42,735,946-42,735,949, GCTA duplicated on the plus strand (TAGC on the coding strand, the reverse complement: CDAN1 is on the minus strand); duplicating any 4 consecutive bases within chr15:42,735,946-42,735,950 gives the same sequence; the c. name uses the placement nearest the transcript's 3' end. VCF-style (leftmost placement, unchanged base first): chr15-42735945-G-GGCTA. GRCh37 (hg19) VCF-style: chr15-43028143-G-GGCTA.
Other names: short protein forms P235*.
Identifiers: ClinVar variation 2017339 (VCV002017339.4), dbSNP rs1566989338, ClinGen allele CA919540781.